The following is an entry in ClinVar:

NM_005245.4(FAT1):c.658A>C (p.Met220Leu)

Gene: FAT1 (FAT atypical cadherin 1; minus strand). Cytogenetic location: 4q35.2.
Variant type: single nucleotide variant.
Coding change: c.658A>C on transcript NM_005245.4 (MANE Select); coding-DNA position 658, A replaced by C.
Protein change: p.Met220Leu; replaces methionine 220 with leucine.
Molecular consequence: missense variant.
Genome position (GRCh38, 1-based): chr4:186,709,170, T>G on the plus strand (A>C on the coding strand, the complement: FAT1 is on the minus strand). VCF-style: chr4-186709170-T-G. GRCh37 (hg19) VCF-style: chr4-187630324-T-G.
Other names: short protein forms M220L.
Identifiers: ClinVar variation 3350815 (VCV003350815.1).

ClinVar aggregate classification (germline): Uncertain significance (0 of 4 stars; one submission).

Conditions:
FAT1-related disorder. Also called: FAT1-related condition.

gnomAD v4.1: 37 of 1,613,874 alleles (0.0023%); highest among the groups gnomAD compares: African/African-American, 0.045%; no homozygotes.

Submission:

PreventionGenetics, part of Exact Sciences
Classification: Uncertain significance for FAT1-related condition. Last evaluated: 2024-03-23. Review status: no assertion criteria provided. Collection method: clinical testing. Allele origin: germline.
Comment: The FAT1 c.658A>C variant is predicted to result in the amino acid substitution p.Met220Leu. To our knowledge, this variant has not been reported in the literature. This variant is reported in 0.029% of alleles in individuals of African descent in gnomAD. At this time, the clinical significance of this variant is uncertain due to the absence of conclusive functional and genetic evidence.